The following is an entry in ClinVar:

ClinVar aggregate classification (germline): Uncertain significance (1 of 4 stars; one submission).

Conditions:
Progressive sclerosing poliodystrophy (MTDPS4A). Also called: Mitochondrial DNA depletion syndrome 4A (Alpers type); Alpers Syndrome; ALPERS DIFFUSE DEGENERATION OF CEREBRAL GRAY MATTER WITH HEPATIC CIRRHOSIS; Alpers-Huttenlocher Syndrome; ALPERS PROGRESSIVE INFANTILE POLIODYSTROPHY; NEURONAL DEGENERATION OF CHILDHOOD WITH LIVER DISEASE, PROGRESSIVE. Identifiers: Orphanet 726, MedGen C0205710, MONDO:0008758, OMIM 203700.

Submission:

Labcorp Genetics (formerly Invitae), Labcorp
Classification: Uncertain significance for Progressive sclerosing poliodystrophy. Last evaluated: 2022-05-06. Review status: criteria provided, single submitter. Criteria: Invitae Variant Classification Sherloc (09022015). Collection method: clinical testing. Allele origin: germline.
Comment: In summary, the available evidence is currently insufficient to determine the role of this variant in disease. Therefore, it has been classified as a Variant of Uncertain Significance. Algorithms developed to predict the effect of missense changes on protein structure and function are either unavailable or do not agree on the potential impact of this missense change (SIFT: "Tolerated"; PolyPhen-2: "Probably Damaging"; Align-GVGD: "Class C0"). This variant has not been reported in the literature in individuals affected with POLG-related conditions. This variant is not present in population databases (gnomAD no frequency). This sequence change replaces threonine, which is neutral and polar, with isoleucine, which is neutral and non-polar, at codon 1094 of the POLG protein (p.Thr1094Ile).

NM_002693.3(POLG):c.3281C>T (p.Thr1094Ile)

Gene: POLG (DNA polymerase gamma, catalytic subunit; minus strand). Cytogenetic location: 15q26.1.
Variant type: single nucleotide variant.
Coding change: c.3281C>T on transcript NM_002693.3 (MANE Select); coding-DNA position 3281, C replaced by T.
Protein change: p.Thr1094Ile; replaces threonine 1094 with isoleucine.
Molecular consequence: missense variant.
Genome position (GRCh38, 1-based): chr15:89,318,742, G>A on the plus strand (C>T on the coding strand, the complement: POLG is on the minus strand). VCF-style: chr15-89318742-G-A. GRCh37 (hg19) VCF-style: chr15-89861973-G-A.
Other names: c.3281C>T, p.Thr1094Ile (NM_001126131.2); short protein forms T1094I.
Identifiers: ClinVar variation 2134633 (VCV002134633.4), dbSNP rs2509204000, ClinGen allele CA393750251.